The following is an entry in ClinVar:

NM_015909.4(NBAS):c.4761C>T (p.Ala1587=)

Gene: NBAS (NBAS subunit of NRZ tethering complex; minus strand). Cytogenetic location: 2p24.3.
Variant type: single nucleotide variant.
Coding change: c.4761C>T on transcript NM_015909.4 (MANE Select); coding-DNA position 4761, C replaced by T.
Protein change: p.Ala1587=; no amino-acid change (alanine 1587 retained).
Molecular consequence: synonymous variant. On other transcripts: non-coding transcript variant (1).
Genome position (GRCh38, 1-based): chr2:15,308,252, G>A on the plus strand (C>T on the coding strand, the complement: NBAS is on the minus strand). VCF-style: chr2-15308252-G-A. GRCh37 (hg19) VCF-style: chr2-15448376-G-A.
Other names: c.4761C>T (NM_015909.3).
Identifiers: ClinVar variation 2117127 (VCV002117127.5), dbSNP rs533157050, ClinGen allele CA1535517.

ClinVar aggregate classification (germline): Likely benign. Review status: criteria provided, multiple submitters, no conflicts (2 of 4 stars). 2 submissions from 2 submitters: Likely benign (2). Last evaluated 2026-03-30.

Conditions:
NBAS-related disorder. Also called: NBAS-related condition.

Allele frequency attached by ClinVar (database versions not stated): ExAC 0.00001; gnomAD 0.00001; 1000 Genomes Project 30x 0.00016; 1000 Genomes Project 0.00020.

Submissions (2):

PreventionGenetics, part of Exact Sciences
Classification: Likely benign for NBAS-related condition. Last evaluated: 2026-03-30. Review status: criteria provided, single submitter. Criteria: ACMG Guidelines, 2015. Collection method: clinical testing. Allele origin: germline.
Comment: This variant is classified as likely benign based on ACMG/AMP sequence variant interpretation guidelines (Richards et al. 2015 PMID: 25741868, with internal and published modifications).

Labcorp Genetics (formerly Invitae), Labcorp
Classification: Likely benign. Last evaluated: 2025-02-24. Review status: criteria provided, single submitter. Criteria: Invitae Variant Classification Sherloc (09022015). Collection method: clinical testing. Allele origin: germline.